The following is an entry in ClinVar:

ClinVar aggregate classification (germline): Likely pathogenic. Review status: criteria provided, multiple submitters, no conflicts (2 of 4 stars). 5 submissions from 5 submitters: Likely pathogenic (5). Last evaluated 2024-11-19.

Conditions:
Marfan syndrome (MFS). Also called: Marfan syndrome type 1; Marfan's syndrome; FBN1-Related Marfan Syndrome; MARFAN SYNDROME, TYPE I; Marfan syndrome, classic. Identifiers: Orphanet 284963, Orphanet 558, MedGen C0024796, MONDO:0007947, OMIM 154700.
Geleophysic dysplasia 2 (GPHYSD2). Identifiers: Orphanet 2623, MedGen C3280054, MONDO:0013612, OMIM 614185.
Acromicric dysplasia (ACMICD). Also called: Acromicric skeletal dysplasia. Identifiers: Orphanet 969, MedGen C0265287, MONDO:0007055, OMIM 102370.
Weill-Marchesani syndrome 2, dominant. Also called: FBN1-Related Weill-Marchesani Syndrome; Weill-Marchesani Syndrome, Autosomal Dominant. Identifiers: Orphanet 2084, MedGen C1869115, MONDO:0012013, OMIM 608328.
Ectopia lentis 1, isolated, autosomal dominant (ECTOL1). Identifiers: Orphanet 1885, MedGen C3541518, MONDO:0007514, OMIM 129600.
Progeroid and marfanoid aspect-lipodystrophy syndrome. Also called: MARFANOID-PROGEROID-LIPODYSTROPHY SYNDROME; MARFANOID-PROGEROID SYNDROME; MARFAN-PROGEROID-LIPODYSTROPHY SYNDROME; Marfan lipodystrophy syndrome. Identifiers: Orphanet 300382, MedGen C4310796, MONDO:0014831, OMIM 616914.
Stiff skin syndrome (SSKS). Identifiers: Orphanet 2833, MedGen C1861456, MONDO:0008492, OMIM 184900.
MASS syndrome (OCTD). Also called: MASS PHENOTYPE; OVERLAP CONNECTIVE TISSUE DISEASE. Identifiers: MedGen C1858556, MONDO:0011431, OMIM 604308.
Familial thoracic aortic aneurysm and aortic dissection (TAAD). Also called: Thoracic aortic aneurysms and dissections. Identifiers: Orphanet 91387, MedGen C4707243, MONDO:0019625.

Submissions (5):

Center for Genomics, Ann and Robert H. Lurie Children's Hospital of Chicago
Classification: Likely pathogenic for Marfan syndrome. Last evaluated: 2024-11-19. Review status: criteria provided, single submitter. Criteria: Drackley et al. (Genome Med. 2024). Collection method: clinical testing. Allele origin: germline. Inheritance: Autosomal dominant inheritance. Observed: 1 heterozygote.
Comment: This variant has been reported in the literature in an individual with a clinical diagnosis of Marfan syndrome (Yoo 2010 PMID: 19863550) and has been submitted to ClinVar (Variation ID: 1333372). It is not present in gnomAD. This variant alters a conserved residue in a consensus binding sequence in a calcium-binding epidermal growth factor (cbEGF)-like domain and may impair protein folding or stabilization (Jensen 2005 PMID: 15649891). Additionally, this variant is in exon 25, which is within the region of the FBN1 gene associated with more severe and/or early onset presentations of Marfan syndrome (Faivre 2007 PMID: 17701892; Zarate 2022 PMID: 35420547). Evolutionary conservation and computational prediction tools strongly support a deleterious effect of this variant on protein structure and/or function. In summary, data on this variant is highly suspicious for disease, but requires further evidence for pathogenicity. Therefore, it is classified as likely pathogenic.

3billion
Classification: Likely pathogenic for Marfan syndrome. Last evaluated: 2024-03-19. Review status: criteria provided, single submitter. Criteria: ACMG Guidelines, 2015. Collection method: clinical testing. Allele origin: germline. Affected: yes.
Comment: The variant is not observed in the gnomAD v2.1.1 dataset. Predicted Consequence/Location: Missense variant In silico tool predictions suggest damaging effect of the variant on gene or gene product [REVEL: 0.95 (>=0.6, sensitivity 0.68 and specificity 0.92); 3Cnet: 0.91 (>=0.6, sensitivity 0.72 and precision 0.9)]. Same nucleotide change resulting in same amino acid change has been previously reported as pathogenic/likely pathogenic with strong evidence (ClinVar ID: VCV001333372 /PMID: 19863550). Therefore, this variant is classified as Likely pathogenic according to the recommendation of ACMG/AMP guideline.

Labcorp Genetics (formerly Invitae), Labcorp
Classification: Likely pathogenic for Marfan syndrome; Familial thoracic aortic aneurysm and aortic dissection. Last evaluated: 2023-11-10. Review status: criteria provided, single submitter. Criteria: Invitae Variant Classification Sherloc (09022015). Collection method: clinical testing. Allele origin: germline.
Comment: This sequence change replaces asparagine, which is neutral and polar, with serine, which is neutral and polar, at codon 1046 of the FBN1 protein (p.Asn1046Ser). This variant is not present in population databases (gnomAD no frequency). This missense change has been observed in individuals with Marfan syndrome (PMID: 19863550; Invitae). ClinVar contains an entry for this variant (Variation ID: 1333372). Advanced modeling of protein sequence and biophysical properties (such as structural, functional, and spatial information, amino acid conservation, physicochemical variation, residue mobility, and thermodynamic stability) performed at Invitae indicates that this missense variant is expected to disrupt FBN1 protein function with a positive predictive value of 95%. This variant disrupts the p.Asn1046 amino acid residue in FBN1. Other variant(s) that disrupt this residue have been observed in individuals with FBN1-related conditions (Invitae), which suggests that this may be a clinically significant amino acid residue. In summary, the currently available evidence indicates that the variant is pathogenic, but additional data are needed to prove that conclusively. Therefore, this variant has been classified as Likely Pathogenic.

Mayo Clinic Laboratories, Mayo Clinic
Classification: Likely pathogenic. Last evaluated: 2021-04-30. Review status: criteria provided, single submitter. Criteria: ACMG Guidelines, 2015. Collection method: clinical testing. Allele origin: germline.
Comment: PM1, PM2_supporting, PP3, PP2, PP4

Juno Genomics, Hangzhou Juno Genomics, Inc
Classification: Likely pathogenic for Acromicric dysplasia; Ectopia lentis 1, isolated, autosomal dominant; Geleophysic dysplasia 2; MASS syndrome; Progeroid and marfanoid aspect-lipodystrophy syndrome; Marfan syndrome; Stiff skin syndrome; Weill-Marchesani syndrome 2, dominant. Review status: criteria provided, single submitter. Criteria: ACMG Guidelines, 2015. Collection method: clinical testing. Allele origin: germline. Affected: yes.
Comment: Absent from controls (or at extremely low frequency if recessive) in Genome Aggregation Database, Exome Sequencing Project, 1000 Genomes Project, or Exome Aggregation Consortium.;Multiple lines of computational evidence support a deleterious effect on the gene or gene product (conservation, evolutionary, splicing impact, etc).;Assumed de novo, but without confirmation of paternity and maternity.;Patient's phenotype or family history is highly specific for a disease with a single genetic etiology.

Literature cited by the submitters: PubMed 19863550 (cited by 4 submitters); PubMed 15649891 (cited by Center for Genomics, Ann and Robert H. Lurie Children's Hospital of Chicago); PubMed 17701892 (cited by Center for Genomics, Ann and Robert H. Lurie Children's Hospital of Chicago); PubMed 35420547 (cited by Center for Genomics, Ann and Robert H. Lurie Children's Hospital of Chicago).

NM_000138.5(FBN1):c.3137A>G (p.Asn1046Ser)

Gene: FBN1 (fibrillin 1; minus strand). Cytogenetic location: 15q21.1.
Variant type: single nucleotide variant.
Coding change: c.3137A>G on transcript NM_000138.5 (MANE Select); coding-DNA position 3137, A replaced by G.
Protein change: p.Asn1046Ser; replaces asparagine 1046 with serine.
Molecular consequence: missense variant.
Genome position (GRCh38, 1-based): chr15:48,488,439, T>C on the plus strand (A>G on the coding strand, the complement: FBN1 is on the minus strand). VCF-style: chr15-48488439-T-C. GRCh37 (hg19) VCF-style: chr15-48780636-T-C.
Other names: p.Asn1046Ser; c.3137A>G (NM_000138.4); short protein forms N1046S.
Identifiers: ClinVar variation 1333372 (VCV001333372.14), dbSNP rs2141295239, ClinGen allele CA392328123.